The following is an entry in ClinVar:

ClinVar aggregate classification (germline): Uncertain significance (1 of 4 stars; one submission).

Conditions:
Hereditary cancer-predisposing syndrome. Also called: Tumor predisposition; Hereditary Cancer Syndrome; Hereditary neoplastic syndrome; Neoplastic Syndromes, Hereditary. Identifiers: Orphanet 140162, MedGen C0027672, MeSH D009386, MONDO:0015356.

Submission:

Ambry Genetics
Classification: Uncertain significance for Hereditary cancer-predisposing syndrome. Last evaluated: 2024-03-25. Review status: criteria provided, single submitter. Criteria: Ambry Variant Classification Scheme 2023. Collection method: clinical testing. Allele origin: germline.
Comment: The p.V282M variant (also known as c.844G>A), located in coding exon 5 of the PDGFRA gene, results from a G to A substitution at nucleotide position 844. The valine at codon 282 is replaced by methionine, an amino acid with highly similar properties. This amino acid position is conserved. In addition, this alteration is predicted to be tolerated by in silico analysis. Based on the available evidence, the clinical significance of this alteration remains unclear.

NM_006206.6(PDGFRA):c.844G>A (p.Val282Met)

Gene: PDGFRA (platelet derived growth factor receptor alpha; plus strand). Cytogenetic location: 4q12.
Variant type: single nucleotide variant.
Coding change: c.844G>A on transcript NM_006206.6 (MANE Select); coding-DNA position 844, G replaced by A.
Protein change: p.Val282Met; replaces valine 282 with methionine.
Molecular consequence: missense variant.
Genome position (GRCh38, 1-based): chr4:54,267,373, G>A. VCF-style: chr4-54267373-G-A. GRCh37 (hg19) VCF-style: chr4-55133540-G-A.
Other names: c.844G>A, p.Val282Met (NM_001347827.2, NM_001347829.2); c.919G>A, p.Val307Met (NM_001347828.2); c.883G>A, p.Val295Met (NM_001347830.2); short protein forms V295M, V307M, V282M.
Identifiers: ClinVar variation 3305464 (VCV003305464.1).